The following is an entry in ClinVar:

ClinVar aggregate classification (germline): Conflicting classifications of pathogenicity. Review status: criteria provided, conflicting classifications (1 of 4 stars). 4 submissions from 4 submitters: Likely pathogenic (1); Uncertain significance (2). 1 of the submissions does not count toward it. Last evaluated 2026-09-29.

Conditions:
Cardiac arrhythmia. Also called: Cardiac rhythm disease; Arrhythmia. Identifiers: MedGen C0003811, MONDO:0007263, HP:0011675.
Familial long QT syndrome (RWS). Also called: Romano-Ward syndrome; VENTRICULAR FIBRILLATION WITH PROLONGED QT INTERVAL; Congenital long QT syndrome. Identifiers: Orphanet 768, MedGen C1141890, MONDO:0019171.
Long QT syndrome 2 (LQT2). Identifiers: Orphanet 101016, Orphanet 768, MedGen C3150943, MONDO:0013367, OMIM 613688.
Long QT syndrome (LQTS). Identifiers: MedGen C0023976, MeSH D008133, MONDO:0002442. Disease mechanism: loss of function. Inheritance: Various modes of inheritance.

Submissions (4):

MVZ Martinsried, Medicover Genetics
Classification: Likely pathogenic for Long QT syndrome 2. Last evaluated: 2026-09-29. Review status: criteria provided, single submitter. Criteria: ClinGen Variant Curation SOP V3.2 + Classification Guidance July2025. Collection method: clinical testing. Allele origin: unknown. Observed: 1 heterozygote.

Labcorp Genetics (formerly Invitae), Labcorp
Classification: Uncertain significance for Long QT syndrome. Last evaluated: 2024-11-19. Review status: criteria provided, single submitter. Criteria: Invitae Variant Classification Sherloc (09022015). Collection method: clinical testing. Allele origin: germline.
Comment: This sequence change replaces alanine, which is neutral and non-polar, with threonine, which is neutral and polar, at codon 32 of the KCNH2 protein (p.Ala32Thr). This variant is not present in population databases (gnomAD no frequency). This missense change has been observed in individuals with clinical features of long QT syndrome (PMID: 19716085; internal data). ClinVar contains an entry for this variant (Variation ID: 67549). An algorithm developed to predict the effect of missense changes on protein structure and function (PolyPhen-2) suggests that this variant is likely to be disruptive. Experimental studies have shown that this missense change affects KCNH2 function (PMID: 25417810, 32475984, 35688148). In summary, the available evidence is currently insufficient to determine the role of this variant in disease. Therefore, it has been classified as a Variant of Uncertain Significance.

Color Diagnostics, LLC DBA Color Health
Classification: Uncertain significance for Cardiac arrhythmia. Last evaluated: 2020-10-06. Review status: criteria provided, single submitter. Criteria: ACMG Guidelines, 2015. Collection method: clinical testing. Allele origin: germline.
Comment: This missense variant replaces alanine with threonine at codon 32 of the KCNH2 protein. Computational prediction suggests that this variant may have deleterious impact on protein structure and function (internally defined REVEL score threshold >= 0.7, PMID: 27666373). To our knowledge, functional studies have not been reported for this variant. This variant has been reported in one individual referred for the long QT syndrome clinical genetic test (PMID: 19716085). This variant has not been identified in the general population by the Genome Aggregation Database (gnomAD). The available evidence is insufficient to determine the role of this variant in disease conclusively. Therefore, this variant is classified as a Variant of Uncertain Significance.

Cardiovascular Biomedical Research Unit, Royal Brompton & Harefield NHS Foundation Trust
No classification provided. Condition: Familial long QT syndrome. Review status: no classification provided. Collection method: literature only. Allele origin: germline. Not counted in ClinVar's aggregate classification.
Comment: This variant has been reported as associated with Long QT syndrome in the following publications (PMID:19716085). This is a literature report, and does not necessarily reflect the clinical interpretation of the Imperial College / Royal Brompton Cardiovascular Genetics laboratory.

Literature cited by the submitters: PubMed 19716085 (cited by Labcorp Genetics (formerly Invitae), Labcorp and Cardiovascular Biomedical Research Unit, Royal Brompton & Harefield NHS Foundation Trust); PubMed 25417810 (cited by Labcorp Genetics (formerly Invitae), Labcorp); PubMed 32475984 (cited by Labcorp Genetics (formerly Invitae), Labcorp); PubMed 35688148 (cited by Labcorp Genetics (formerly Invitae), Labcorp); PubMed 22581653 (cited by Cardiovascular Biomedical Research Unit, Royal Brompton & Harefield NHS Foundation Trust).

NM_000238.4(KCNH2):c.94G>A (p.Ala32Thr)

Gene: KCNH2 (potassium voltage-gated channel subfamily H member 2; minus strand). Cytogenetic location: 7q36.1.
Variant type: single nucleotide variant.
Coding change: c.94G>A on transcript NM_000238.4 (MANE Select); coding-DNA position 94, G replaced by A.
Protein change: p.Ala32Thr; replaces alanine 32 with threonine.
Molecular consequence: missense variant.
Genome position (GRCh38, 1-based): chr7:150,974,924, C>T on the plus strand (G>A on the coding strand, the complement: KCNH2 is on the minus strand). VCF-style: chr7-150974924-C-T. GRCh37 (hg19) VCF-style: chr7-150672012-C-T.
Other names: c.94G>A (LRG_288t1); c.-84G>A (NM_001406755.1); c.94G>A, p.Ala32Thr (NM_172056.3); short protein forms A32T.
Identifiers: ClinVar variation 67549 (VCV000067549.12), dbSNP rs199472834, ClinGen allele CA009024.